The following is an entry in ClinVar:

ClinVar aggregate classification (germline): Uncertain significance. Review status: criteria provided, multiple submitters, no conflicts (2 of 4 stars). 2 submissions from 2 submitters: Uncertain significance (2). Last evaluated 2023-08-10.

Allele frequency attached by ClinVar (database versions not stated): ExAC 0.00001.
gnomAD v4.1: 4 of 1,614,072 alleles (0.00025%); highest among the groups gnomAD compares: South Asian, 0.0044%; no homozygotes.

Submissions (2):

Labcorp Genetics (formerly Invitae), Labcorp
Classification: Uncertain significance. Last evaluated: 2023-08-10. Review status: criteria provided, single submitter. Criteria: Invitae Variant Classification Sherloc (09022015). Collection method: clinical testing. Allele origin: germline.
Comment: In summary, the available evidence is currently insufficient to determine the role of this variant in disease. Therefore, it has been classified as a Variant of Uncertain Significance. ClinVar contains an entry for this variant (Variation ID: 2050635). This variant has not been reported in the literature in individuals affected with DHX38-related conditions. This variant is present in population databases (rs762775948, gnomAD 0.01%). This sequence change creates a premature translational stop signal (p.Tyr568*) in the DHX38 gene. It is expected to result in an absent or disrupted protein product. However, the current clinical and genetic evidence is not sufficient to establish whether loss-of-function variants in DHX38 cause disease.

Blueprint Genetics
Classification: Uncertain significance. Last evaluated: 2022-11-18. Review status: criteria provided, single submitter. Criteria: ACMG Guidelines, 2015. Collection method: clinical testing. Allele origin: germline.

NM_014003.4(DHX38):c.1704C>A (p.Tyr568Ter)

Gene: DHX38 (DEAH-box helicase 38; plus strand). Cytogenetic location: 16q22.2.
Variant type: single nucleotide variant.
Coding change: c.1704C>A on transcript NM_014003.4 (MANE Select); coding-DNA position 1704, C replaced by A.
Protein change: p.Tyr568Ter; replaces tyrosine 568 with a stop codon.
Molecular consequence: nonsense.
Genome position (GRCh38, 1-based): chr16:72,103,668, C>A. VCF-style: chr16-72103668-C-A. GRCh37 (hg19) VCF-style: chr16-72137567-C-A.
Other names: short protein forms Y568*.
Identifiers: ClinVar variation 2050635 (VCV002050635.5), dbSNP rs762775948, ClinGen allele CA8160385.